The following is an entry in ClinVar:

ClinVar aggregate classification (germline): Uncertain significance (1 of 4 stars; one submission).

Conditions:
Nemaline myopathy 9 (NEM9). Identifiers: MedGen C3810384, MONDO:0014326, OMIM 615731.

Submission:

Labcorp Genetics (formerly Invitae), Labcorp
Classification: Uncertain significance for Nemaline myopathy 9. Last evaluated: 2021-11-27. Review status: criteria provided, single submitter. Criteria: Invitae Variant Classification Sherloc (09022015). Collection method: clinical testing. Allele origin: germline.
Comment: This variant has not been reported in the literature in individuals affected with KLHL41-related conditions. This variant is not present in population databases (gnomAD no frequency). This sequence change replaces phenylalanine, which is neutral and non-polar, with leucine, which is neutral and non-polar, at codon 488 of the KLHL41 protein (p.Phe488Leu). Algorithms developed to predict the effect of missense changes on protein structure and function are either unavailable or do not agree on the potential impact of this missense change (SIFT: "Deleterious"; PolyPhen-2: "Possibly Damaging"; Align-GVGD: "Class C15"). In summary, the available evidence is currently insufficient to determine the role of this variant in disease. Therefore, it has been classified as a Variant of Uncertain Significance.

NM_006063.3(KLHL41):c.1464T>G (p.Phe488Leu)

Gene: KLHL41 (kelch like family member 41; plus strand). Cytogenetic location: 2q31.1.
Variant type: single nucleotide variant.
Coding change: c.1464T>G on transcript NM_006063.3 (MANE Select); coding-DNA position 1464, T replaced by G.
Protein change: p.Phe488Leu; replaces phenylalanine 488 with leucine.
Molecular consequence: missense variant.
Genome position (GRCh38, 1-based): chr2:169,518,277, T>G. VCF-style: chr2-169518277-T-G. GRCh37 (hg19) VCF-style: chr2-170374787-T-G.
Other names: short protein forms F488L.
Identifiers: ClinVar variation 1451072 (VCV001451072.6), dbSNP rs2105311166, ClinGen allele CA349179108.